The following is an entry in ClinVar:

NM_001374828.1(ARID1B):c.1194AGG[3] (p.Gly402del)

Gene: ARID1B (AT-rich interaction domain 1B; plus strand). Cytogenetic location: 6q25.3.
Variant type: Microsatellite.
Coding change: c.1194AGG[3] on transcript NM_001374828.1 (MANE Select); three copies in a row of the 3-base unit AGG starting at c.1194; the reference has four copies in a row; one copy, 3 bases deleted.
Protein change: p.Gly402del; deletes glycine 402.
Molecular consequence: inframe deletion.
Genome position (GRCh38, 1-based): chr6:156,778,883-156,778,885, AGG deleted; deleting any 3 consecutive bases within chr6:156,778,872-156,778,885 gives the same sequence; the position shown is the placement nearest the transcript's 3' end. VCF-style (leftmost placement, unchanged base first): chr6-156778871-CGGA-C. GRCh37 (hg19) VCF-style: chr6-157100005-CGGA-C.
Other names: c.943_945delGGA (NM_020732.3); c.954_956delAGG (NM_020732.3); c.1194AGG[3], p.Gly402del (NM_001371656.1, NM_001374820.1, NM_017519.3); short protein forms G402del.
Identifiers: ClinVar variation 126340 (VCV000126340.55), dbSNP rs587779748, ClinGen allele CA151076.

ClinVar aggregate classification (germline): Benign/Likely benign. Review status: criteria provided, multiple submitters, no conflicts (2 of 4 stars). 8 submissions from 8 submitters: Benign (4); Likely benign (2). 2 of the submissions do not count toward it. Last evaluated 2026-09-01.

Conditions:
Inborn genetic diseases. Identifiers: MedGen C0950123, MeSH D030342.

Submissions (8):

CeGaT Center for Human Genetics Tuebingen
Classification: Benign. Last evaluated: 2026-09-01. Review status: criteria provided, single submitter. Criteria: CeGaT Center For Human Genetics Tuebingen Variant Classification Criteria Version 2. Collection method: clinical testing. Allele origin: germline. Affected: yes. Observed: 86 variant alleles.
Comment: ARID1B: BS1, BS2

Labcorp Genetics (formerly Invitae), Labcorp
Classification: Benign. Last evaluated: 2026-02-02. Review status: criteria provided, single submitter. Criteria: Invitae Variant Classification Sherloc (09022015). Collection method: clinical testing. Allele origin: germline.

Institute for Clinical Genetics, University Hospital TU Dresden, University Hospital TU Dresden
Classification: Likely benign. Last evaluated: 2021-11-03. Review status: criteria provided, single submitter. Criteria: ACMG Guidelines, 2015. Collection method: clinical testing. Allele origin: germline.

GeneDx
Classification: Likely benign. Last evaluated: 2020-03-06. Review status: criteria provided, single submitter. Criteria: GeneDx Variant Classification Process June 2021. Collection method: clinical testing. Allele origin: germline. Affected: yes.

Ambry Genetics
Classification: Benign for Inborn genetic diseases. Last evaluated: 2016-08-12. Review status: criteria provided, single submitter. Criteria: Ambry Variant Classification Scheme 2023. Collection method: clinical testing. Allele origin: germline.

Genetic Services Laboratory, University of Chicago
Classification: Benign. Last evaluated: 2015-05-27. Review status: criteria provided, single submitter. Criteria: ACMG Guidelines, 2015. Collection method: clinical testing. Allele origin: germline.

Diagnostic Laboratory, Department of Genetics, University Medical Center Groningen
Classification: Benign. Review status: no assertion criteria provided. Collection method: clinical testing. Allele origin: germline. Affected: yes. Study: VKGL Data-share Consensus. Not counted in ClinVar's aggregate classification.

Laboratory of Diagnostic Genome Analysis, Leiden University Medical Center (LUMC)
Classification: Likely benign. Review status: no assertion criteria provided. Collection method: clinical testing. Allele origin: germline. Affected: yes. Study: VKGL Data-share Consensus. Not counted in ClinVar's aggregate classification.